The following is an entry in ClinVar:

ClinVar aggregate classification (germline): Pathogenic (1 of 4 stars; one submission).

Conditions:
Neurofibromatosis, type 1 (NF1). Also called: Peripheral type neurofibromatosis; VON RECKLINGHAUSEN DISEASE; NEUROFIBROMATOSIS, TYPE I, SOMATIC; Neurofibromatosis, type I. Identifiers: Orphanet 636, MedGen C0027831, MONDO:0018975, OMIM 162200. Disease mechanism: loss of function.

Submission:

Labcorp Genetics (formerly Invitae), Labcorp
Classification: Pathogenic for Neurofibromatosis, type 1. Last evaluated: 2022-05-19. Review status: criteria provided, single submitter. Criteria: Invitae Variant Classification Sherloc (09022015). Collection method: clinical testing. Allele origin: germline.
Comment: This variant is a gross deletion of the genomic region encompassing exon(s) 1-30 of the NF1 gene, which includes the initiator codon. This deletion extends beyond the assayed region for this gene and therefore may encompass additional genes. It is expected to result in an absent or disrupted protein product. Loss-of-function variants in NF1 are known to be pathogenic (PMID: 10712197, 23913538). This variant has not been reported in the literature in individuals affected with NF1-related conditions. For these reasons, this variant has been classified as Pathogenic.

Literature cited by the submitters: PubMed 10712197; PubMed 23913538.

NC_000017.10:g.(?_27573882)_(29576157_?)del

Genes: ABHD15 (abhydrolase domain containing 15; minus strand), ADAP2 (ArfGAP with dual PH domains 2; plus strand), ANKRD13B (ankyrin repeat domain 13B; plus strand), ATAD5 (ATPase family AAA domain containing 5; plus strand), BLMH (bleomycin hydrolase; minus strand) and 18 more. Cytogenetic location: 17q11.2.
Variant type: Deletion.
Identifiers: ClinVar variation 2422714 (VCV002422714.5).